The following is an entry in ClinVar:

ClinVar aggregate classification (germline): Benign. Review status: criteria provided, single submitter (1 of 4 stars). 2 submissions from 2 submitters: Benign (1). 1 of the submissions does not count toward it. Last evaluated 2019-12-31.

Conditions:
KDM3B-related disorder. Also called: KDM3B-related condition.

Allele frequency attached by ClinVar (database versions not stated): gnomAD exomes 0.00236; gnomAD 0.00856 and 0.00927; 1000 Genomes Project 30x 0.00953; ESP Exome Variant Server 0.00992; ExAC 0.00302; 1000 Genomes Project 0.00839; TOPMed 0.01017.
gnomAD v4.1: 2,616 of 1,614,178 alleles (0.16%); highest among the groups gnomAD compares: African/African-American, 3%; 35 homozygotes.

Submissions (2):

Labcorp Genetics (formerly Invitae), Labcorp
Classification: Benign. Last evaluated: 2019-12-31. Review status: criteria provided, single submitter. Criteria: Invitae Variant Classification Sherloc (09022015). Collection method: clinical testing. Allele origin: germline.

PreventionGenetics, part of Exact Sciences
Classification: Benign for KDM3B-related condition. Last evaluated: 2019-11-20. Review status: no assertion criteria provided. Collection method: clinical testing. Allele origin: germline. Not counted in ClinVar's aggregate classification.
Comment: This variant is classified as benign based on ACMG/AMP sequence variant interpretation guidelines (Richards et al. 2015 PMID: 25741868, with internal and published modifications).

NM_016604.4(KDM3B):c.3592G>T (p.Ala1198Ser)

Gene: KDM3B (lysine demethylase 3B; plus strand). Cytogenetic location: 5q31.2.
Variant type: single nucleotide variant.
Coding change: c.3592G>T on transcript NM_016604.4 (MANE Select); coding-DNA position 3592, G replaced by T.
Protein change: p.Ala1198Ser; replaces alanine 1198 with serine.
Molecular consequence: missense variant.
Genome position (GRCh38, 1-based): chr5:138,419,109, G>T. VCF-style: chr5-138419109-G-T. GRCh37 (hg19) VCF-style: chr5-137754798-G-T.
Other names: short protein forms A1198S.
Identifiers: ClinVar variation 719430 (VCV000719430.6), dbSNP rs28561931, ClinGen allele CA3429290.